The following is an entry in ClinVar:

NM_053004.3(GNB1L):c.110G>A (p.Arg37His)

Gene: GNB1L (G protein subunit beta 1 like; minus strand). Cytogenetic location: 22q11.21.
Variant type: single nucleotide variant.
Coding change: c.110G>A on transcript NM_053004.3 (MANE Select); coding-DNA position 110, G replaced by A.
Protein change: p.Arg37His; replaces arginine 37 with histidine.
Molecular consequence: missense variant.
Genome position (GRCh38, 1-based): chr22:19,821,246, C>T on the plus strand (G>A on the coding strand, the complement: GNB1L is on the minus strand). VCF-style: chr22-19821246-C-T. GRCh37 (hg19) VCF-style: chr22-19808769-C-T.
Other names: short protein forms R37H.
Identifiers: ClinVar variation 3059653 (VCV003059653.2), dbSNP rs5748449, ClinGen allele CA10103292.
Genomic context (GRCh38, chr22:19,821,246, plus strand): 5'-CTTGGCCCTGGGTGGCCTGGGGCTGGGGCCACAGCTACTCACCCTGAGAAGAGGAGCGGG[C>T]GCCCCTGAGCCTGGGCTCCTTCGCAGAAGTGCAGCGCATGCACCGGTGACTGGGTGCCTC-3'
Protein context (NP_443730.1, residues 27-47): HFCEGAQAQG[Arg37His]PLLFSGSQSG

ClinVar aggregate classification (germline): Benign (0 of 4 stars; one submission).

Conditions:
GNB1L-related disorder. Also called: GNB1L-related condition.

Allele frequency attached by ClinVar (database versions not stated): 1000 Genomes Project 30x 0.13616; 1000 Genomes Project 0.14397; ESP Exome Variant Server 0.15155; TOPMed 0.15176.
gnomAD v4.1: 310,760 of 1,610,594 alleles (19%); highest among the groups gnomAD compares: Middle Eastern, 28%; 32,038 homozygotes.

Submission:

PreventionGenetics, part of Exact Sciences
Classification: Benign for GNB1L-related condition. Last evaluated: 2019-10-21. Review status: no assertion criteria provided. Collection method: clinical testing. Allele origin: germline.
Comment: This variant is classified as benign based on ACMG/AMP sequence variant interpretation guidelines (Richards et al. 2015 PMID: 25741868, with internal and published modifications).